The following is an entry in ClinVar:

ClinVar aggregate classification (germline): Likely benign (1 of 4 stars; one submission).

Submission:

GeneDx
Classification: Likely benign. Last evaluated: 2021-06-24. Review status: criteria provided, single submitter. Criteria: GeneDx Variant Classification Process June 2021. Collection method: clinical testing. Allele origin: germline. Affected: yes.
Comment: See Variant Classification Assertion Criteria.

NM_001204424.2(RGS6):c.1091+69TC[8]

Gene: RGS6 (regulator of G protein signaling 6; plus strand). Cytogenetic location: 14q24.2.
Variant type: Microsatellite.
Coding change: c.1091+69TC[8] on transcript NM_001204424.2 (MANE Select); eight copies in a row of the 2-base unit TC starting at c.1091+69; the reference has seven copies in a row; one copy, 2 bases duplicated.
Molecular consequence: intron variant.
Genome position (GRCh38, 1-based): chr14:72,510,360-72,510,361, TC duplicated; duplicating any 2 consecutive bases within chr14:72,510,348-72,510,361 gives the same sequence; the position shown is the placement nearest the transcript's 3' end. VCF-style (leftmost placement, unchanged base first): chr14-72510347-A-ATC. GRCh37 (hg19) VCF-style: chr14-72977055-A-ATC.
Other names: c.1091+69TC[8] (NM_001370270.1, NM_001370289.1, NM_001370282.1 and 18 more transcripts); c.986+69TC[8] (NM_001204423.2); c.966-8003TC[8] (NM_001370280.1); c.980+69TC[8] (NM_001370292.1, NM_001370283.1, NM_001204419.3 and 4 more transcripts); c.855-8003TC[8] (NM_001370294.1); c.881+69TC[8] (NM_001370286.1); c.1082+69TC[8] (NM_001370279.1).
Identifiers: ClinVar variation 1691596 (VCV001691596.3), dbSNP rs5809578, ClinGen allele CA262587320.
Genomic context (GRCh38, chr14:72,510,347, plus strand): 5'-TCTCAAAGTTTGAGCTGTGTGCGGAATGTGTGTGAAGAAATTTGCATAATCGGTCTCTCC[A>ATC]TCTCTCTCTCTCTCAATGAAACGTTATCAGGGTTCAAATTCAAATGCCAGCTAATCTGGC-3'